The following is an entry in ClinVar:

ClinVar aggregate classification (germline): Pathogenic (1 of 4 stars; one submission).

Submission:

CeGaT Center for Human Genetics Tuebingen
Classification: Pathogenic. Last evaluated: 2025-04-01. Review status: criteria provided, single submitter. Criteria: CeGaT Center For Human Genetics Tuebingen Variant Classification Criteria Version 2. Collection method: clinical testing. Allele origin: germline. Affected: yes. Observed: 1 variant allele.
Comment: DICER1: PVS1, PM2

NM_177438.3(DICER1):c.3084del (p.Asn1029fs)

Gene: DICER1 (dicer 1, ribonuclease III; minus strand). Cytogenetic location: 14q32.13.
Variant type: Deletion.
Coding change: c.3084del on transcript NM_177438.3 (MANE Select); coding-DNA position 3084, one base deleted (G; older notation c.3084delG).
Protein change: p.Asn1029fs; shifts the reading frame from asparagine 1029.
Molecular consequence: frameshift variant. On other transcripts: non-coding transcript variant (6).
Genome position (GRCh38, 1-based): chr14:95,105,687, C deleted on the plus strand (G on the coding strand, the reverse complement: DICER1 is on the minus strand). VCF-style (leftmost placement, unchanged base first): chr14-95105686-TC-T. GRCh37 (hg19) VCF-style: chr14-95572023-TC-T.
Other names: c.3084del, p.Asn1029fs (NM_001195573.1, NM_001271282.3, NM_001291628.2 and 12 more transcripts); c.2802del, p.Asn935fs (NM_001395686.1); c.2679del, p.Asn894fs (NM_001395687.1, NM_001395688.1, NM_001395689.1 and 2 more transcripts); c.2517del, p.Asn840fs (NM_001395691.1); c.1401del, p.Asn468fs (NM_001395697.1); short protein forms N1029fs, N468fs, N840fs, N894fs, N935fs.
Identifiers: ClinVar variation 3905741 (VCV003905741.10).